The following is an entry in ClinVar:

NM_012471.3(TRPC5):c.279C>A (p.Ser93Arg)

Gene: TRPC5 (transient receptor potential cation channel subfamily C member 5; minus strand). Cytogenetic location: Xq23.
Variant type: single nucleotide variant.
Coding change: c.279C>A on transcript NM_012471.3 (MANE Select); coding-DNA position 279, C replaced by A.
Protein change: p.Ser93Arg; replaces serine 93 with arginine.
Molecular consequence: missense variant.
Genome position (GRCh38, 1-based): chrX:111,952,142, G>T on the plus strand (C>A on the coding strand, the complement: TRPC5 is on the minus strand). VCF-style: chrX-111952142-G-T. GRCh37 (hg19) VCF-style: chrX-111195370-G-T.
Other names: short protein forms S93R.
Identifiers: ClinVar variation 3358746 (VCV003358746.1).

ClinVar aggregate classification (germline): Uncertain significance (0 of 4 stars; one submission).

Conditions:
TRPC5-related disorder. Also called: TRPC5-related condition.

gnomAD v4.1: 15 of 1,210,722 alleles (0.0012%); highest among the groups gnomAD compares: East Asian, 0.003%; no homozygotes.

Submission:

PreventionGenetics, part of Exact Sciences
Classification: Uncertain significance for TRPC5-related condition. Last evaluated: 2024-06-16. Review status: no assertion criteria provided. Collection method: clinical testing. Allele origin: germline.
Comment: The TRPC5 c.279C>A variant is predicted to result in the amino acid substitution p.Ser93Arg. To our knowledge, this variant has not been reported in the literature. This variant is reported in 0.0043% of alleles in individuals of European (Non-Finnish) descent in gnomAD. At this time, the clinical significance of this variant is uncertain due to the absence of conclusive functional and genetic evidence.